The following is an entry in ClinVar:

NM_001372044.2(SHANK3):c.4990G>A (p.Gly1664Arg)

Gene: SHANK3 (SH3 and multiple ankyrin repeat domains 3; plus strand). Cytogenetic location: 22q13.33.
Variant type: single nucleotide variant.
Coding change: c.4990G>A on transcript NM_001372044.2 (MANE Select); coding-DNA position 4990, G replaced by A.
Protein change: p.Gly1664Arg; replaces glycine 1664 with arginine.
Molecular consequence: missense variant.
Genome position (GRCh38, 1-based): chr22:50,730,881, G>A. VCF-style: chr22-50730881-G-A. GRCh37 (hg19) VCF-style: chr22-51169309-G-A.
Other names: c.4765G>A, p.Gly1589Arg (NM_033517.1); short protein forms G1589R, G1664R.
Identifiers: ClinVar variation 2505046 (VCV002505046.1), dbSNP rs2518439093, ClinGen allele CA515266739.

ClinVar aggregate classification (germline): Uncertain significance (1 of 4 stars; one submission).

Submission:

GeneDx
Classification: Uncertain significance. Last evaluated: 2022-12-08. Review status: criteria provided, single submitter. Criteria: GeneDx Variant Classification Process June 2021. Collection method: clinical testing. Allele origin: germline. Affected: yes.
Comment: Not observed at significant frequency in large population cohorts (gnomAD); In silico analysis supports that this missense variant does not alter protein structure/function; In silico analysis is inconclusive as to whether the variant alters gene splicing. In the absence of RNA/functional studies, the actual effect of this sequence change is unknown.; Has not been previously published as pathogenic or benign to our knowledge